The following is an entry in ClinVar:

ClinVar aggregate classification (germline): Uncertain significance (1 of 4 stars; one submission).

Submission:

Laboratorio de Genetica e Diagnostico Molecular, Hospital Israelita Albert Einstein
Classification: Uncertain significance. Last evaluated: 2021-04-06. Review status: criteria provided, single submitter. Criteria: ACMG Guidelines, 2015. Collection method: clinical testing. Allele origin: germline. Affected: yes.
Comment: ACMG classification criteria: PM2

NM_001122681.2(SH3BP2):c.929del (p.Pro310fs)

Gene: SH3BP2 (SH3 domain binding protein 2; plus strand). Cytogenetic location: 4p16.3.
Variant type: Deletion.
Coding change: c.929del on transcript NM_001122681.2 (MANE Select); coding-DNA position 929, one base deleted (C; older notation c.929delC).
Protein change: p.Pro310fs; shifts the reading frame from proline 310.
Molecular consequence: frameshift variant.
Genome position (GRCh38, 1-based): chr4:2,829,835, C deleted; the last of 4 consecutive C bases (chr4:2,829,832-2,829,835); deleting any one gives the same sequence. VCF-style (leftmost placement, unchanged base first): chr4-2829831-AC-A. GRCh37 (hg19) VCF-style: chr4-2831558-AC-A.
Other names: c.1013del, p.Pro338fs (NM_001145855.2); c.1100del, p.Pro367fs (NM_001145856.2); c.929del, p.Pro310fs (NM_003023.4); c.926delC (NM_003023.4); short protein forms P310fs, P338fs, P367fs.
Identifiers: ClinVar variation 1691018 (VCV001691018.2), dbSNP rs2108738935, ClinGen allele CA2573137488.